The following is an entry in ClinVar:

NM_001174089.2(SLC4A11):c.242-5G>A

Gene: SLC4A11 (solute carrier family 4 member 11; minus strand). Cytogenetic location: 20p13.
Variant type: single nucleotide variant.
Coding change: c.242-5G>A on transcript NM_001174089.2 (MANE Select); 5 bases into the intron before coding-DNA position 242, G replaced by A.
Molecular consequence: intron variant.
Genome position (GRCh38, 1-based): chr20:3,234,622, C>T on the plus strand (G>A on the coding strand, the complement: SLC4A11 is on the minus strand). VCF-style: chr20-3234622-C-T. GRCh37 (hg19) VCF-style: chr20-3215268-C-T.
Other names: c.242-5G>A (NM_001363745.2); c.371-5G>A (NM_001174090.2); c.290-5G>A (NM_032034.4).
Identifiers: ClinVar variation 737995 (VCV000737995.12), dbSNP rs775424811, ClinGen allele CA9742375.
Genomic context (GRCh38, chr20:3,234,622, plus strand): 5'-ATTCACCTTTCGGGAGGTGTGCAGGAGCACACAGCCACCGGAAGTCGCTTCATTCTCTGC[C>T]GGAGAAAAGCGGGGAGGGCTCAGGGTGCCACCCTCTCCTCAGGTCTTTCTTAGTAAGGCG-3'

ClinVar aggregate classification (germline): Likely benign. Review status: criteria provided, multiple submitters, no conflicts (2 of 4 stars). 3 submissions from 3 submitters: Likely benign (2). 1 of the submissions does not count toward it. Last evaluated 2025-11-26.

Conditions:
SLC4A11-related disorder. Also called: SLC4A11-related condition.
Corneal dystrophy-perceptive deafness syndrome (CDPD). Also called: CORNEAL DYSTROPHY AND SENSORINEURAL DEAFNESS; HARBOYAN SYNDROME. Identifiers: Orphanet 1490, MedGen C1857572, MONDO:0009015, OMIM 217400.

Allele frequency attached by ClinVar (database versions not stated): gnomAD 0.00004; gnomAD exomes 0.00006 and 0.00013; TOPMed 0.00007; ExAC 0.00012.

Submissions (3):

Labcorp Genetics (formerly Invitae), Labcorp
Classification: Likely benign. Last evaluated: 2025-11-26. Review status: criteria provided, single submitter. Criteria: Invitae Variant Classification Sherloc (09022015). Collection method: clinical testing. Allele origin: germline.

PreventionGenetics, part of Exact Sciences
Classification: Likely benign for SLC4A11-related condition. Last evaluated: 2025-05-29. Review status: criteria provided, single submitter. Criteria: ACMG Guidelines, 2015. Collection method: clinical testing. Allele origin: germline.
Comment: This variant is classified as likely benign based on ACMG/AMP sequence variant interpretation guidelines (Richards et al. 2015 PMID: 25741868, with internal and published modifications).

Natera, Inc.
Classification: Likely benign for Harboyan syndrome. Last evaluated: 2020-09-16. Review status: no assertion criteria provided. Collection method: clinical testing. Allele origin: germline. Not counted in ClinVar's aggregate classification.